The following is an entry in ClinVar:

NM_001267550.2(TTN):c.90834T>A (p.Ser30278Arg)

Genes: TTN (titin; minus strand), TTN-AS1 (TTN antisense RNA 1; plus strand). Cytogenetic location: 2q31.2.
Variant type: single nucleotide variant.
Coding change: c.90834T>A on transcript NM_001267550.2 (MANE Select); coding-DNA position 90834, T replaced by A.
Protein change: p.Ser30278Arg; replaces serine 30278 with arginine.
Molecular consequence: missense variant.
Genome position (GRCh38, 1-based): chr2:178,552,066, A>T on the plus strand (T>A on the coding strand, the complement: TTN is on the minus strand). VCF-style: chr2-178552066-A-T. GRCh37 (hg19) VCF-style: chr2-179416793-A-T.
Other names: c.85911T>A, p.Ser28637Arg (NM_001256850.1); c.63639T>A, p.Ser21213Arg (NM_003319.4); c.64014T>A, p.Ser21338Arg (NM_133432.3); c.64215T>A, p.Ser21405Arg (NM_133437.4); c.83130T>A, p.Ser27710Arg (NM_133378.4); short protein forms S30278R, S27710R, S21338R, S28637R, S21213R, S21405R.
Identifiers: ClinVar variation 47502 (VCV000047502.8), dbSNP rs397517751, ClinGen allele CA141202.
Genomic context (GRCh38, chr2:178,552,066, plus strand): 5'-TCTAAACTGGTACTCAGCATCTTTGACTAGATTAGGAACTTTGAAAGTCGTTCTGGCAAC[A>T]CTTGAACACACCATCTTCCAGTTAGTTTGTGAAGTTTCCCGCTTCTCGATGCTGTAACAA-3'
Protein context (NP_001254479.2, residues 30268-30288): SQTNWKMVCS[Ser30278Arg]VARTTFKVPN

ClinVar aggregate classification (germline): Uncertain significance. Review status: criteria provided, multiple submitters, no conflicts (2 of 4 stars). 3 submissions from 3 submitters: Uncertain significance (3). Last evaluated 2021-04-09.

Conditions:
Hypertrophic cardiomyopathy 9. Also called: Familial hypertrophic cardiomyopathy 9. Identifiers: MedGen C1861065, MONDO:0013412, OMIM 613765.
Tibial muscular dystrophy (TMD). Also called: Tibial muscular dystrophy, tardive; UDD MYOPATHY; Udd Distal Myopathy – Tibial Muscular Dystrophy. Identifiers: Orphanet 609, MedGen C1838244, MONDO:0010870, OMIM 600334.
Myopathy, myofibrillar, 9, with early respiratory failure (MFM9). Also called: MYOPATHY, PROXIMAL, WITH EARLY RESPIRATORY MUSCLE INVOLVEMENT; Myopathy, distal, with early respiratory failure, autosomal dominant; Hereditary myopathy with early respiratory failure; EDSTROM MYOPATHY. Identifiers: Orphanet 178464, Orphanet 34521, MedGen C1863599, MONDO:0011362, OMIM 603689.
Early-onset myopathy with fatal cardiomyopathy (CMYO5). Also called: CONGENITAL MYOPATHY 5 WITH CARDIOMYOPATHY; Salih Myopathy. Identifiers: Orphanet 289377, MedGen C2673677, MONDO:0012714, OMIM 611705. Disease mechanism: loss of function.
Dilated cardiomyopathy 1G (CMD1G). Identifiers: Orphanet 154, MedGen C1858763, MONDO:0011400, OMIM 604145.
Autosomal recessive limb-girdle muscular dystrophy type 2J (LGMDR10). Also called: Limb-girdle muscular dystrophy, type 2J; MUSCULAR DYSTROPHY, LIMB-GIRDLE, AUTOSOMAL RECESSIVE 10. Identifiers: Orphanet 140922, MedGen C1837342, MONDO:0012127, OMIM 608807.
Cardiomyopathy (CMYO). Also called: Cardiomyopathies. Identifiers: Orphanet 167848, MedGen C0878544, MONDO:0004994, HP:0001638. Inheritance: Various modes of inheritance.

Allele frequency attached by ClinVar (database versions not stated): gnomAD exomes below 0.00001; ExAC 0.00001.
gnomAD v4.1: 3 of 1,613,784 alleles (0.00019%); highest among the groups gnomAD compares: Non-Finnish European, 0.00025%; no homozygotes.

Submissions (3):

CHEO Genetics Diagnostic Laboratory, Children's Hospital of Eastern Ontario
Classification: Uncertain significance for Cardiomyopathy. Last evaluated: 2021-04-09. Review status: criteria provided, single submitter. Criteria: ACMG Guidelines, 2015. Collection method: clinical testing. Allele origin: germline.

Fulgent Genetics
Classification: Uncertain significance for Tibial muscular dystrophy; Myopathy, myofibrillar, 9, with early respiratory failure; Dilated cardiomyopathy 1G; Autosomal recessive limb-girdle muscular dystrophy type 2J; Early-onset myopathy with fatal cardiomyopathy; Hypertrophic cardiomyopathy 9. Last evaluated: 2018-10-31. Review status: criteria provided, single submitter. Criteria: ACMG Guidelines, 2015. Collection method: clinical testing. Allele origin: unknown.

Laboratory for Molecular Medicine, Mass General Brigham Personalized Medicine
Classification: Uncertain significance. Last evaluated: 2012-09-21. Review status: criteria provided, single submitter. Criteria: LMM Criteria. Collection method: clinical testing. Allele origin: germline. Observed: 1 variant allele.
Comment: The Ser27710Arg variant in TTN has not been reported in the literature nor previ ously identified by our laboratory. Computational analyses (biochemical amino a cid properties, conservation, AlignGVGD, PolyPhen2, and SIFT) suggest that the S er27710Arg variant may impact the protein, though this information is not predic tive enough to determine pathogenicity. Additional information is needed to ful ly assess the clinical significance of the Ser27710Arg variant.